The following is an entry in ClinVar:

NM_172364.5(CACNA2D4):c.1969G>A (p.Gly657Arg)

Gene: CACNA2D4 (calcium voltage-gated channel auxiliary subunit alpha2delta 4; minus strand). Cytogenetic location: 12p13.33.
Variant type: single nucleotide variant.
Coding change: c.1969G>A on transcript NM_172364.5 (MANE Select); coding-DNA position 1969, G replaced by A.
Protein change: p.Gly657Arg; replaces glycine 657 with arginine.
Molecular consequence: missense variant.
Genome position (GRCh38, 1-based): chr12:1,858,616, C>T on the plus strand (G>A on the coding strand, the complement: CACNA2D4 is on the minus strand). VCF-style: chr12-1858616-C-T. GRCh37 (hg19) VCF-style: chr12-1967782-C-T.
Other names: c.1969G>A (NM_172364.4); short protein forms G657R.
Identifiers: ClinVar variation 1423018 (VCV001423018.10), dbSNP rs369030024, ClinGen allele CA6386907.

ClinVar aggregate classification (germline): Uncertain significance. Review status: criteria provided, multiple submitters, no conflicts (2 of 4 stars). 2 submissions from 2 submitters: Uncertain significance (2). Last evaluated 2025-08-20.

Conditions:
Inborn genetic diseases. Identifiers: MedGen C0950123, MeSH D030342.

Allele frequency attached by ClinVar (database versions not stated): ExAC 0.00002; gnomAD exomes 0.00002; gnomAD 0.00007 and 0.00008; ESP Exome Variant Server 0.00008; TOPMed 0.00011.

Submissions (2):

Ambry Genetics
Classification: Uncertain significance for Inborn genetic diseases. Last evaluated: 2025-08-20. Review status: criteria provided, single submitter. Criteria: Ambry Variant Classification Scheme 2023. Collection method: clinical testing. Allele origin: germline.

Labcorp Genetics (formerly Invitae), Labcorp
Classification: Uncertain significance. Last evaluated: 2024-05-24. Review status: criteria provided, single submitter. Criteria: Invitae Variant Classification Sherloc (09022015). Collection method: clinical testing. Allele origin: germline.
Comment: This sequence change replaces glycine, which is neutral and non-polar, with arginine, which is basic and polar, at codon 657 of the CACNA2D4 protein (p.Gly657Arg). This variant is present in population databases (rs369030024, gnomAD 0.03%). This variant has not been reported in the literature in individuals affected with CACNA2D4-related conditions. ClinVar contains an entry for this variant (Variation ID: 1423018). An algorithm developed to predict the effect of missense changes on protein structure and function (PolyPhen-2) suggests that this variant is likely to be disruptive. In summary, the available evidence is currently insufficient to determine the role of this variant in disease. Therefore, it has been classified as a Variant of Uncertain Significance.